The following is an entry in ClinVar:

NM_144643.4(SCLT1):c.1143A>C (p.Lys381Asn)

Gene: SCLT1 (sodium channel and clathrin linker 1; minus strand). Cytogenetic location: 4q28.2.
Variant type: single nucleotide variant.
Coding change: c.1143A>C on transcript NM_144643.4 (MANE Select); coding-DNA position 1143, A replaced by C.
Protein change: p.Lys381Asn; replaces lysine 381 with asparagine.
Molecular consequence: missense variant.
Genome position (GRCh38, 1-based): chr4:128,957,029, T>G on the plus strand (A>C on the coding strand, the complement: SCLT1 is on the minus strand). VCF-style: chr4-128957029-T-G. GRCh37 (hg19) VCF-style: chr4-129878184-T-G.
Other names: c.1143A>C, p.Lys381Asn (NM_001410807.1); short protein forms K381N.
Identifiers: ClinVar variation 4995142 (VCV004995142.1).

ClinVar aggregate classification (germline): Uncertain significance (1 of 4 stars; one submission).

Conditions:
SCLT1-related disorder. Also called: SCLT1-related condition.

Submission:

PreventionGenetics, part of Exact Sciences
Classification: Uncertain significance for SCLT1-related condition. Last evaluated: 2026-01-29. Review status: criteria provided, single submitter. Criteria: ACMG Guidelines, 2015. Collection method: clinical testing. Allele origin: germline.
Comment: The SCLT1 c.1143A>C variant is predicted to result in the amino acid substitution p.Lys381Asn. To our knowledge, this variant has not been reported in the literature or in a large population database (gnomAD), indicating this variant is rare. At this time, the clinical significance of this variant is uncertain due to the absence of conclusive functional and genetic evidence.